The following is an entry in ClinVar:

NM_015971.4(MRPS7):c.645C>T (p.Asn215=)

Gene: MRPS7 (mitochondrial ribosomal protein S7; plus strand). Cytogenetic location: 17q25.1.
Variant type: single nucleotide variant.
Coding change: c.645C>T on transcript NM_015971.4 (MANE Select); coding-DNA position 645, C replaced by T.
Protein change: p.Asn215=; no amino-acid change (asparagine 215 retained).
Molecular consequence: synonymous variant.
Genome position (GRCh38, 1-based): chr17:75,265,839, C>T. VCF-style: chr17-75265839-C-T. GRCh37 (hg19) VCF-style: chr17-73261920-C-T.
Other names: p.Asn215=.
Identifiers: ClinVar variation 382372 (VCV000382372.33), dbSNP rs61745718, ClinGen allele CA8760469.
Genomic context (GRCh38, chr17:75,265,839, plus strand): 5'-GCACCAGCGGACACTGATGCCGGAGAAGCTGTCACACAAGCTGCTGGAGGCTTTCCATAA[C>T]CAGGGCCCCGTGATCAAGAGGAAGCATGACTTGCACAAGATGGCAGAGGCCAACCGTGCC-3'
Protein context (NP_057055.2, residues 205-225): LSHKLLEAFH[Asn215=]QGPVIKRKHD

ClinVar aggregate classification (germline): Benign/Likely benign. Review status: criteria provided, multiple submitters, no conflicts (2 of 4 stars). 6 submissions from 6 submitters: Benign (3); Likely benign (3). Last evaluated 2025-12-23.

Allele frequency attached by ClinVar (database versions not stated): gnomAD exomes 0.00037 and 0.00092; ExAC 0.00113; gnomAD 0.00381 and 0.00411; TOPMed 0.00447; ESP Exome Variant Server 0.00454; 1000 Genomes Project 0.00499; 1000 Genomes Project 30x 0.00531.
gnomAD v4.1: 1,144 of 1,614,166 alleles (0.071%); highest among the groups gnomAD compares: African/African-American, 1.4%; 6 homozygotes.

Submissions (6):

Labcorp Genetics (formerly Invitae), Labcorp
Classification: Benign. Last evaluated: 2025-12-23. Review status: criteria provided, single submitter. Criteria: Invitae Variant Classification Sherloc (09022015). Collection method: clinical testing. Allele origin: germline.

Mayo Clinic Laboratories, Mayo Clinic
Classification: Likely benign. Last evaluated: 2025-06-18. Review status: criteria provided, single submitter. Criteria: ACMG Guidelines, 2015. Collection method: clinical testing. Allele origin: germline. Observed: 3 variant alleles.
Comment: BP4, BP7

Blueprint Genetics
Classification: Likely benign. Last evaluated: 2024-08-21. Review status: criteria provided, single submitter. Criteria: ACMG Guidelines, 2015. Collection method: clinical testing. Allele origin: germline.

CeGaT Center for Human Genetics Tuebingen
Classification: Likely benign. Last evaluated: 2023-11-01. Review status: criteria provided, single submitter. Criteria: CeGaT Center For Human Genetics Tuebingen Variant Classification Criteria Version 2. Collection method: clinical testing. Allele origin: germline. Affected: yes. Observed: 1 variant allele.
Comment: MRPS7: BP4, BP7, BS1

GeneDx
Classification: Benign. Last evaluated: 2020-11-24. Review status: criteria provided, single submitter. Criteria: GeneDx Variant Classification Process June 2021. Collection method: clinical testing. Allele origin: germline. Affected: yes.

Breakthrough Genomics
Classification: Benign. Review status: criteria provided, single submitter. Criteria: ACMG Guidelines, 2015. Collection method: not provided. Allele origin: germline. Inheritance: Autosomal recessive inheritance. Affected: yes.